The following is an entry in ClinVar:

ClinVar aggregate classification (germline): Uncertain significance (1 of 4 stars; one submission).

Conditions:
Cohen syndrome (COH1). Also called: Cutis verticis gyrata, retinitis pigmentosa, and sensorineural deafness; PEPPER SYNDROME. Identifiers: Orphanet 193, MedGen C0265223, MONDO:0008999, OMIM 216550.

Submission:

Labcorp Genetics (formerly Invitae), Labcorp
Classification: Uncertain significance for Cohen syndrome. Last evaluated: 2022-06-23. Review status: criteria provided, single submitter. Criteria: Invitae Variant Classification Sherloc (09022015). Collection method: clinical testing. Allele origin: germline.
Comment: This variant has not been reported in the literature in individuals affected with VPS13B-related conditions. This variant is not present in population databases (gnomAD no frequency). This sequence change replaces glutamic acid, which is acidic and polar, with glycine, which is neutral and non-polar, at codon 2146 of the VPS13B protein (p.Glu2146Gly). Algorithms developed to predict the effect of missense changes on protein structure and function are either unavailable or do not agree on the potential impact of this missense change (SIFT: "Not Available"; PolyPhen-2: "Benign"; Align-GVGD: "Not Available"). In summary, the available evidence is currently insufficient to determine the role of this variant in disease. Therefore, it has been classified as a Variant of Uncertain Significance.

NM_152564.5(VPS13B):c.6362A>G (p.Glu2121Gly)

Gene: VPS13B (vacuolar protein sorting 13 homolog B; plus strand). Cytogenetic location: 8q22.2.
Variant type: single nucleotide variant.
Coding change: c.6362A>G on transcript NM_152564.5 (MANE Select); coding-DNA position 6362, A replaced by G.
Protein change: p.Glu2121Gly; replaces glutamic acid 2121 with glycine.
Molecular consequence: missense variant.
Genome position (GRCh38, 1-based): chr8:99,699,840, A>G. VCF-style: chr8-99699840-A-G. GRCh37 (hg19) VCF-style: chr8-100712068-A-G.
Other names: c.6437A>G, p.Glu2146Gly (NM_017890.5); short protein forms E2146G, E2121G.
Identifiers: ClinVar variation 1448552 (VCV001448552.8), dbSNP rs2130181316, ClinGen allele CA371875004.
Genomic context (GRCh38, chr8:99,699,840, plus strand): 5'-GAGCTGTTTCCTGCTTTCAAAAAATTTCTGTTCAAACTACTCAGATTGTGATCTCCATGG[A>G]AACTGTACCCCATACCAGCAAACCATGCCTGTTAGCATCTCTCTCAAACCTCAATGGAAG-3'
Protein context (NP_689777.3, residues 2111-2131): VQTTQIVISM[Glu2121Gly]TVPHTSKPCL